The following is an entry in ClinVar:

ClinVar aggregate classification (germline): Uncertain significance (1 of 4 stars; one submission).

gnomAD v4.1: 45 of 1,614,070 alleles (0.0028%); highest among the groups gnomAD compares: South Asian, 0.047%; no homozygotes.

Submission:

Ambry Genetics
Classification: Uncertain significance. Last evaluated: 2025-09-27. Review status: criteria provided, single submitter. Criteria: Ambry Variant Classification Scheme 2023. Collection method: clinical testing. Allele origin: germline.
Comment: The c.397G>A (p.G133R) alteration is located in exon 2 (coding exon 2) of the ADAMTS9 gene. This alteration results from a G to A substitution at nucleotide position 397, causing the glycine (G) at amino acid position 133 to be replaced by an arginine (R). Based on data from gnomAD, the A allele has an overall frequency of 0.007% (18/251454) total alleles studied. The highest observed frequency was 0.056% (17/30614) of South Asian alleles. Based on insufficient or conflicting evidence, the clinical significance of this alteration remains unclear.

NM_182920.2(ADAMTS9):c.397G>A (p.Gly133Arg)

Genes: ADAMTS9 (ADAM metallopeptidase with thrombospondin type 1 motif 9; minus strand), ADAMTS9-AS2 (ADAMTS9 antisense RNA 2; plus strand). Cytogenetic location: 3p14.1.
Variant type: single nucleotide variant.
Coding change: c.397G>A on transcript NM_182920.2 (MANE Select); coding-DNA position 397, G replaced by A.
Protein change: p.Gly133Arg; replaces glycine 133 with arginine.
Molecular consequence: missense variant.
Genome position (GRCh38, 1-based): chr3:64,686,687, C>T on the plus strand (G>A on the coding strand, the complement: ADAMTS9 is on the minus strand). VCF-style: chr3-64686687-C-T. GRCh37 (hg19) VCF-style: chr3-64672363-C-T.
Other names: c.397G>A, p.Gly133Arg (NM_001318781.2); short protein forms G133R.
Identifiers: ClinVar variation 4637760 (VCV004637760.1).
Genomic context (GRCh38, chr3:64,686,687, plus strand): 5'-TGTAGAAACAGTGCTTGAGTTCCGCTTCCTCTTCGGAATAAAACTTGGTCTGATTCACCC[C>T]GGGCGTCCCGAGGAGGGTGACAGTGAACAGTGGAGCGATAAATCCGGCATTGGCGGTGAG-3'
Protein context (NP_891550.1, residues 123-143): LFTVTLLGTP[Gly133Arg]VNQTKFYSEE